The following is an entry in ClinVar:

ClinVar aggregate classification (germline): Uncertain significance. Review status: criteria provided, multiple submitters, no conflicts (2 of 4 stars). 2 submissions from 2 submitters: Uncertain significance (2). Last evaluated 2024-12-20.

Conditions:
Inborn genetic diseases. Identifiers: MedGen C0950123, MeSH D030342.
PKD1L1-related disorder. Also called: PKD1L1-related condition.

gnomAD v4.1: 52 of 1,612,726 alleles (0.0032%); highest among the groups gnomAD compares: South Asian, 0.0066%; no homozygotes.

Submissions (2):

PreventionGenetics, part of Exact Sciences
Classification: Uncertain significance for PKD1L1-related condition. Last evaluated: 2024-12-20. Review status: criteria provided, single submitter. Criteria: ACMG Guidelines, 2015. Collection method: clinical testing. Allele origin: germline.
Comment: The PKD1L1 c.178G>T variant is predicted to result in the amino acid substitution p.Val60Leu. To our knowledge, this variant has not been reported in the literature. This variant is reported in 0.0062% of alleles in individuals of European (Non-Finnish) descent in gnomAD. At this time, the clinical significance of this variant is uncertain due to the absence of conclusive functional and genetic evidence.

Ambry Genetics
Classification: Uncertain significance for Inborn genetic diseases. Last evaluated: 2024-09-12. Review status: criteria provided, single submitter. Criteria: Ambry Variant Classification Scheme 2023. Collection method: clinical testing. Allele origin: germline.

NM_138295.5(PKD1L1):c.178G>T (p.Val60Leu)

Gene: PKD1L1 (polycystin 1 like 1, transient receptor potential channel interacting; minus strand). Cytogenetic location: 7p12.3.
Variant type: single nucleotide variant.
Coding change: c.178G>T on transcript NM_138295.5 (MANE Select); coding-DNA position 178, G replaced by T.
Protein change: p.Val60Leu; replaces valine 60 with leucine.
Molecular consequence: missense variant.
Genome position (GRCh38, 1-based): chr7:47,940,300, C>A on the plus strand (G>T on the coding strand, the complement: PKD1L1 is on the minus strand). VCF-style: chr7-47940300-C-A. GRCh37 (hg19) VCF-style: chr7-47979897-C-A.
Other names: short protein forms V60L.
Identifiers: ClinVar variation 3419076 (VCV003419076.2).